The following is an entry in ClinVar:

ClinVar aggregate classification (germline): Likely benign (1 of 4 stars; one submission).

Allele frequency attached by ClinVar (database versions not stated): gnomAD exomes below 0.00001 and 0.00001; TOPMed below 0.00001; gnomAD 0.00001.
gnomAD v4.1: 6 of 1,601,462 alleles (0.00037%); highest among the groups gnomAD compares: Non-Finnish European, 0.00051%; no homozygotes.

Submission:

GeneDx
Classification: Likely benign. Last evaluated: 2014-06-06. Review status: criteria provided, single submitter. Criteria: GeneDx Variant Classification (06012015). Collection method: clinical testing. Allele origin: germline. Affected: yes.
Comment: This variant is considered likely benign or benign based on one or more of the following criteria: it is a conservative change, it occurs at a poorly conserved position in the protein, it is predicted to be benign by multiple in silico algorithms, and/or has population frequency not consistent with disease.

NM_001243279.3(ACSF3):c.584A>G (p.Lys195Arg)

Gene: ACSF3 (acyl-CoA synthetase family member 3; plus strand). Cytogenetic location: 16q24.3.
Variant type: single nucleotide variant.
Coding change: c.584A>G on transcript NM_001243279.3 (MANE Select); coding-DNA position 584, A replaced by G.
Protein change: p.Lys195Arg; replaces lysine 195 with arginine.
Molecular consequence: missense variant. On other transcripts: non-coding transcript variant (3), intron variant (1).
Genome position (GRCh38, 1-based): chr16:89,101,265, A>G. VCF-style: chr16-89101265-A-G. GRCh37 (hg19) VCF-style: chr16-89167673-A-G.
Other names: p.K195R:AAG>AGG; c.584A>G, p.Lys195Arg (NM_001127214.4, NM_174917.5); c.-129-1339A>G (NM_001284316.2); short protein forms K195R.
Identifiers: ClinVar variation 203600 (VCV000203600.1), dbSNP rs796051921, ClinGen allele CA312299.
Genomic context (GRCh38, chr16:89,101,265, plus strand): 5'-ACACTGGAGCAGTAGAGGAACCGGCAGAGGTCCCGGTCCCAGAGCAGGGATGGAGGAACA[A>G]GGGCGCCATGATCATCTACACCAGTGGGACCACGGGGAGGCCCAAGGGCGTGCTGAGCAC-3'
Protein context (NP_001230208.1, residues 185-205): VPVPEQGWRN[Lys195Arg]GAMIIYTSGT